The following is an entry in ClinVar:

ClinVar aggregate classification (germline): Uncertain significance (1 of 4 stars; one submission).

Conditions:
Cardiovascular phenotype. Identifiers: MedGen CN230736.

gnomAD v4.1: 1 of 1,614,182 alleles (0.000062%); highest among the groups gnomAD compares: Non-Finnish European, 0.000085%; no homozygotes.

Submission:

Ambry Genetics
Classification: Uncertain significance for Cardiovascular phenotype. Last evaluated: 2024-03-28. Review status: criteria provided, single submitter. Criteria: Ambry Variant Classification Scheme 2023. Collection method: clinical testing. Allele origin: germline.
Comment: The p.R107H variant (also known as c.320G>A), located in coding exon 1 of the KCND3 gene, results from a G to A substitution at nucleotide position 320. The arginine at codon 107 is replaced by histidine, an amino acid with highly similar properties. This amino acid position is conserved. In addition, this alteration is predicted to be deleterious by in silico analysis. Based on the available evidence, the clinical significance of this alteration remains unclear.

NM_001378969.1(KCND3):c.320G>A (p.Arg107His)

Gene: KCND3 (potassium voltage-gated channel subfamily D member 3; minus strand). Cytogenetic location: 1p13.2.
Variant type: single nucleotide variant.
Coding change: c.320G>A on transcript NM_001378969.1 (MANE Select); coding-DNA position 320, G replaced by A.
Protein change: p.Arg107His; replaces arginine 107 with histidine.
Molecular consequence: missense variant.
Genome position (GRCh38, 1-based): chr1:111,982,407, C>T on the plus strand (G>A on the coding strand, the complement: KCND3 is on the minus strand). VCF-style: chr1-111982407-C-T. GRCh37 (hg19) VCF-style: chr1-112525029-C-T.
Other names: c.320G>A, p.Arg107His (NM_001378970.1, NM_004980.5, NM_172198.3); short protein forms R107H.
Identifiers: ClinVar variation 3287541 (VCV003287541.1).
Genomic context (GRCh38, chr1:111,982,407, plus strand): 5'-ATCTCCGGGAGGATGCCGTAGAAGGCCAGCTCGTCGTCGTAGGCAGAGATGCACTCGTAG[C>T]GCGGGTAGTGCAGCTTCCCCGTGCGGTAGAAGTTGAGCACGCAGCGGAACACCTCGGGGT-3'
Protein context (NP_001365898.1, residues 97-117): FYRTGKLHYP[Arg107His]YECISAYDDE